The following is an entry in ClinVar:

NM_138694.4(PKHD1):c.4002_4003insTGGGGAACCTTCTGGGG (p.Asn1335fs)

Gene: PKHD1 (PKHD1 ciliary IPT domain containing fibrocystin/polyductin; minus strand). Cytogenetic location: 6p12.2.
Variant type: Microsatellite.
Coding change: c.4002_4003insTGGGGAACCTTCTGGGG on transcript NM_138694.4 (MANE Select); coding-DNA positions 4002 to 4003, TGGGGAACCTTCTGGGG inserted.
Protein change: p.Asn1335fs; shifts the reading frame from asparagine 1335.
Molecular consequence: frameshift variant.
Genome position: GRCh38 VCF-style: chr6-52025807-T-TCCCCAGAAGGTTCCCCA. GRCh37 (hg19) VCF-style: chr6-51890605-T-TCCCCAGAAGGTTCCCCA.
Other names: c.4002_4003insTGGGGAACCTTCTGGGG, p.Asn1335fs (NM_170724.3); short protein forms N1335fs.
Identifiers: ClinVar variation 4060197 (VCV004060197.2).

ClinVar aggregate classification (germline): Likely pathogenic (1 of 4 stars; one submission).

Conditions:
Autosomal recessive polycystic kidney disease (ARPKD). Also called: AR polycystic kidney disease. Identifiers: Orphanet 731, Orphanet 8378, MedGen C0085548, MeSH D017044, MONDO:0009889.

Submission:

Natera, Inc.
Classification: Likely pathogenic for Autosomal recessive polycystic kidney disease. Last evaluated: 2025-02-28. Review status: criteria provided, single submitter. Criteria: Natera Variant Classification Schema (03/2026). Collection method: clinical testing. Allele origin: germline.
Comment: The c.4002_4003insTGGGGAACCTTCTGGGG variant in PKHD1 is a frameshift variant predicted to shift the reading frame beginning at codon 1335 and leads to a stop codon 19 codons downstream. This variant is expected to result in nonsense mediated decay, truncation, or a dysfunctional protein product. This variant is rare in the general population with a frequency below the threshold expected for the associated phenotype(s). Given the available evidence, this variant is classified as Likely Pathogenic.